The following is an entry in ClinVar:

NM_006017.3(PROM1):c.220+6T>G

Gene: PROM1 (prominin 1; minus strand). Cytogenetic location: 4p15.32.
Variant type: single nucleotide variant.
Coding change: c.220+6T>G on transcript NM_006017.3 (MANE Select); 6 bases into the intron after coding-DNA position 220, T replaced by G.
Molecular consequence: intron variant.
Genome position (GRCh38, 1-based): chr4:16,075,681, A>C on the plus strand (T>G on the coding strand, the complement: PROM1 is on the minus strand). VCF-style: chr4-16075681-A-C. GRCh37 (hg19) VCF-style: chr4-16077304-A-C.
Other names: c.220+6T>G (NM_001145848.2, NM_001145852.2, NM_001145847.2 and 6 more transcripts).
Identifiers: ClinVar variation 1521881 (VCV001521881.6), dbSNP rs2149585402, ClinGen allele CA2573137640.
Genomic context (GRCh38, chr4:16,075,681, plus strand): 5'-ATTAAAAAACAATATTGTGGGTGCGTTTGGAGATAAATCCTATCTTTCCCTGCCATCAGC[A>C]CTTACCTTCTGGGAAATCACGCGGCTGTACCACATAGAGAAAGATATGCACTAGTTCAAA-3'

ClinVar aggregate classification (germline): Uncertain significance (1 of 4 stars; one submission).

gnomAD v4.1: 1 of 1,609,196 alleles (0.000062%); highest among the groups gnomAD compares: East Asian, 0.0022%; no homozygotes.

Submission:

Labcorp Genetics (formerly Invitae), Labcorp
Classification: Uncertain significance. Last evaluated: 2022-09-27. Review status: criteria provided, single submitter. Criteria: Invitae Variant Classification Sherloc (09022015). Collection method: clinical testing. Allele origin: germline.
Comment: This sequence change falls in intron 1 of the PROM1 gene. It does not directly change the encoded amino acid sequence of the PROM1 protein. It affects a nucleotide within the consensus splice site. This variant is not present in population databases (gnomAD no frequency). This variant has not been reported in the literature in individuals affected with PROM1-related conditions. ClinVar contains an entry for this variant (Variation ID: 1521881). Variants that disrupt the consensus splice site are a relatively common cause of aberrant splicing (PMID: 17576681, 9536098). Algorithms developed to predict the effect of sequence changes on RNA splicing suggest that this variant is not likely to affect RNA splicing. In summary, the available evidence is currently insufficient to determine the role of this variant in disease. Therefore, it has been classified as a Variant of Uncertain Significance.

Literature cited by the submitters: PubMed 17576681; PubMed 9536098.